The following is an entry in ClinVar:

ClinVar aggregate classification (germline): Conflicting classifications of pathogenicity. Review status: criteria provided, conflicting classifications (1 of 4 stars). 3 submissions from 3 submitters: Uncertain significance (2); Likely benign (1). Last evaluated 2025-12-26.

Conditions:
Hereditary breast ovarian cancer syndrome. Also called: Hereditary breast and/or ovarian cancer syndrome; Hereditary breast and ovarian cancer; Breast and ovarian cancer; Hereditary breast and ovarian cancer syndrome (HBOC); BRCA1- and BRCA2-Associated Hereditary Breast and Ovarian Cancer; Hereditary breast and ovarian cancer syndrome. Identifiers: Orphanet 145, MedGen C0677776, MeSH D061325, MONDO:0003582. Disease mechanism: loss of function.
Hereditary cancer-predisposing syndrome. Also called: Hereditary neoplastic syndrome; Tumor predisposition; Neoplastic Syndromes, Hereditary; Hereditary Cancer Syndrome. Identifiers: Orphanet 140162, MedGen C0027672, MeSH D009386, MONDO:0015356.

Submissions (3):

Ambry Genetics
Classification: Uncertain significance for Hereditary cancer-predisposing syndrome. Last evaluated: 2025-12-26. Review status: criteria provided, single submitter. Criteria: Ambry Variant Classification Scheme 2023. Collection method: clinical testing. Allele origin: germline.
Comment: The p.D366N variant (also known as c.1096G>A), located in coding exon 9 of the BRCA1 gene, results from a G to A substitution at nucleotide position 1096. The aspartic acid at codon 366 is replaced by asparagine, an amino acid with highly similar properties. This amino acid position is well conserved in available vertebrate species. In addition, the in silico prediction for this alteration is inconclusive. Based on the available evidence, the clinical significance of this variant remains unclear.

Labcorp Genetics (formerly Invitae), Labcorp
Classification: Uncertain significance for Hereditary breast ovarian cancer syndrome. Last evaluated: 2024-08-11. Review status: criteria provided, single submitter. Criteria: Invitae Variant Classification Sherloc (09022015). Collection method: clinical testing. Allele origin: germline.
Comment: This sequence change replaces aspartic acid, which is acidic and polar, with asparagine, which is neutral and polar, at codon 366 of the BRCA1 protein (p.Asp366Asn). This variant is not present in population databases (gnomAD no frequency). This variant has not been reported in the literature in individuals affected with BRCA1-related conditions. ClinVar contains an entry for this variant (Variation ID: 1352067). Advanced modeling of protein sequence and biophysical properties (such as structural, functional, and spatial information, amino acid conservation, physicochemical variation, residue mobility, and thermodynamic stability) performed at Invitae indicates that this missense variant is not expected to disrupt BRCA1 protein function with a negative predictive value of 95%. In summary, the available evidence is currently insufficient to determine the role of this variant in disease. Therefore, it has been classified as a Variant of Uncertain Significance.

University of Washington Department of Laboratory Medicine, University of Washington
Classification: Likely benign for Hereditary cancer-predisposing syndrome. Last evaluated: 2023-03-23. Review status: criteria provided, single submitter. Criteria: Dines et al. (Genet Med. 2020). Collection method: curation. Allele origin: germline.
Comment: Missense variant in a coldspot region where missense variants are very unlikely to be pathogenic (PMID:31911673).

BRCA1 coldspot (exon 11 using historical exon numbering). Reclassification based on statistical prior probability

NM_007294.4(BRCA1):c.1096G>A (p.Asp366Asn)

Gene: BRCA1 (BRCA1 DNA repair associated; minus strand). Cytogenetic location: 17q21.31.
Variant type: single nucleotide variant.
Coding change: c.1096G>A on transcript NM_007294.4 (MANE Select); coding-DNA position 1096, G replaced by A.
Protein change: p.Asp366Asn; replaces aspartic acid 366 with asparagine.
Molecular consequence: missense variant. On other transcripts: intron variant (137).
Genome position (GRCh38, 1-based): chr17:43,094,435, C>T on the plus strand (G>A on the coding strand, the complement: BRCA1 is on the minus strand). VCF-style: chr17-43094435-C-T. GRCh37 (hg19) VCF-style: chr17-41246452-C-T.
Other names: c.643+309G>A (NM_001408464.1, NM_001408468.1, NM_001408465.1 and 3 more transcripts); c.523+309G>A (NM_001408498.1, NM_001408501.1, NM_001408500.1 and 3 more transcripts); c.646+309G>A (NM_001408467.1, NM_001408459.1, NM_001408455.1 and 11 more transcripts); c.583+309G>A (NM_001408475.1); c.709+309G>A (NM_001408412.1, NM_001408409.1, NM_001408414.1 and 2 more transcripts); c.451+309G>A (NM_001408509.1, NM_001408508.1); c.574+309G>A (NM_001408491.1, NM_001408493.1, NM_001408490.1); c.460+1411G>A (NM_001408506.1, NM_001408507.1); and 40 more; short protein forms D319N, D366N, D198N, D254N, D277N, D365N, D295N, D296N.
Identifiers: ClinVar variation 1352067 (VCV001352067.11), dbSNP rs1289961661, ClinGen allele CA10599867.